The following is an entry in ClinVar:

NM_001365088.1(SLC12A6):c.691-3C>T

Gene: SLC12A6 (solute carrier family 12 member 6; minus strand). Cytogenetic location: 15q14.
Variant type: single nucleotide variant.
Coding change: c.691-3C>T on transcript NM_001365088.1 (MANE Select); 3 bases into the intron before coding-DNA position 691, C replaced by T.
Molecular consequence: intron variant.
Genome position (GRCh38, 1-based): chr15:34,256,286, G>A on the plus strand (C>T on the coding strand, the complement: SLC12A6 is on the minus strand). VCF-style: chr15-34256286-G-A. GRCh37 (hg19) VCF-style: chr15-34548487-G-A.
Other names: c.514-3C>T (NM_001042495.2, NM_001042494.2); c.664-3C>T (NM_001042496.2); c.646-3C>T (NM_001042497.2); c.691-3C>T (NM_133647.2); c.538-3C>T (NM_005135.2).
Identifiers: ClinVar variation 3618386 (VCV003618386.2).

ClinVar aggregate classification (germline): Uncertain significance (1 of 4 stars; one submission).

Submission:

Labcorp Genetics (formerly Invitae), Labcorp
Classification: Uncertain significance. Last evaluated: 2024-09-14. Review status: criteria provided, single submitter. Criteria: Invitae Variant Classification Sherloc (09022015). Collection method: clinical testing. Allele origin: germline.
Comment: This sequence change falls in intron 5 of the SLC12A6 gene. It does not directly change the encoded amino acid sequence of the SLC12A6 protein. It affects a nucleotide within the consensus splice site. This variant is not present in population databases (gnomAD no frequency). This variant has not been reported in the literature in individuals affected with SLC12A6-related conditions. Variants that disrupt the consensus splice site are a relatively common cause of aberrant splicing (PMID: 17576681, 9536098). Algorithms developed to predict the effect of sequence changes on RNA splicing suggest that this variant is not likely to affect RNA splicing. In summary, the available evidence is currently insufficient to determine the role of this variant in disease. Therefore, it has been classified as a Variant of Uncertain Significance.

Literature cited by the submitters: PubMed 17576681; PubMed 9536098.